The following is an entry in ClinVar:

NM_000180.4(GUCY2D):c.1072G>T (p.Ala358Ser)

Gene: GUCY2D (guanylate cyclase 2D, retinal; plus strand). Cytogenetic location: 17p13.1.
Variant type: single nucleotide variant.
Coding change: c.1072G>T on transcript NM_000180.4 (MANE Select); coding-DNA position 1072, G replaced by T.
Protein change: p.Ala358Ser; replaces alanine 358 with serine.
Molecular consequence: missense variant.
Genome position (GRCh38, 1-based): chr17:8,006,408, G>T. VCF-style: chr17-8006408-G-T. GRCh37 (hg19) VCF-style: chr17-7909726-G-T.
Other names: short protein forms A358S.
Identifiers: ClinVar variation 4782940 (VCV004782940.1).

ClinVar aggregate classification (germline): Uncertain significance (1 of 4 stars; one submission).

Conditions:
Leber congenital amaurosis 1 (LCA1). Also called: AMAUROSIS CONGENITA OF LEBER I; RETINAL BLINDNESS, CONGENITAL; Congenital absence of the rods and cones; Leber's congenital tapetoretinal degeneration; Leber's congenital tapetoretinal dysplasia. Identifiers: Orphanet 65, MedGen C2931258, MONDO:0008764, OMIM 204000.
Cone-rod dystrophy 6 (CORD6). Also called: RETINAL CONE DYSTROPHY 2; Cone dystrophy progressive. Identifiers: Orphanet 1872, MedGen C1866293, MONDO:0011143, OMIM 601777.

gnomAD v4.1: 1 of 1,602,112 alleles (0.000062%); highest among the groups gnomAD compares: Non-Finnish European, 0.000085%; no homozygotes.

Submission:

Labcorp Genetics (formerly Invitae), Labcorp
Classification: Uncertain significance for Leber congenital amaurosis 1; Cone-rod dystrophy 6. Last evaluated: 2025-08-06. Review status: criteria provided, single submitter. Criteria: Invitae Variant Classification Sherloc (09022015). Collection method: clinical testing. Allele origin: germline.
Comment: This sequence change replaces alanine, which is neutral and non-polar, with serine, which is neutral and polar, at codon 358 of the GUCY2D protein (p.Ala358Ser). This variant is not present in population databases (gnomAD no frequency). This variant has not been reported in the literature in individuals affected with GUCY2D-related conditions. Invitae Evidence Modeling of protein sequence and biophysical properties (such as structural, functional, and spatial information, amino acid conservation, physicochemical variation, residue mobility, and thermodynamic stability) has been performed for this missense variant. However, the output from this modeling did not meet the statistical confidence thresholds required to predict the impact of this variant on GUCY2D protein function. In summary, the available evidence is currently insufficient to determine the role of this variant in disease. Therefore, it has been classified as a Variant of Uncertain Significance.